The following is an entry in ClinVar:

ClinVar aggregate classification (germline): Uncertain significance (1 of 4 stars; one submission).

Conditions:
Primary ciliary dyskinesia. Also called: Ciliary dyskinesia. Identifiers: Orphanet 244, MedGen C0008780, MONDO:0016575, HP:0012265.

Submission:

Labcorp Genetics (formerly Invitae), Labcorp
Classification: Uncertain significance for Primary ciliary dyskinesia. Last evaluated: 2025-07-23. Review status: criteria provided, single submitter. Criteria: Invitae Variant Classification Sherloc (09022015). Collection method: clinical testing. Allele origin: germline.
Comment: This sequence change replaces serine, which is neutral and polar, with isoleucine, which is neutral and non-polar, at codon 598 of the CCDC40 protein (p.Ser598Ile). This variant is not present in population databases (gnomAD no frequency). This variant has not been reported in the literature in individuals affected with CCDC40-related conditions. Invitae Evidence Modeling of protein sequence and biophysical properties (such as structural, functional, and spatial information, amino acid conservation, physicochemical variation, residue mobility, and thermodynamic stability) indicates that this missense variant is not expected to disrupt CCDC40 protein function with a negative predictive value of 80%. In summary, the available evidence is currently insufficient to determine the role of this variant in disease. Therefore, it has been classified as a Variant of Uncertain Significance.

NM_017950.4(CCDC40):c.1793G>T (p.Ser598Ile)

Gene: CCDC40 (coiled-coil domain 40 molecular ruler complex subunit; plus strand). Cytogenetic location: 17q25.3.
Variant type: single nucleotide variant.
Coding change: c.1793G>T on transcript NM_017950.4 (MANE Select); coding-DNA position 1793, G replaced by T.
Protein change: p.Ser598Ile; replaces serine 598 with isoleucine.
Molecular consequence: missense variant.
Genome position (GRCh38, 1-based): chr17:80,081,776, G>T. VCF-style: chr17-80081776-G-T. GRCh37 (hg19) VCF-style: chr17-78055575-G-T.
Other names: c.1793G>T, p.Ser598Ile (NM_001243342.2); short protein forms S598I.
Identifiers: ClinVar variation 4697516 (VCV004697516.1).